The following is an entry in ClinVar:

NM_182493.3(MYLK3):c.722C>T (p.Pro241Leu)

Gene: MYLK3 (myosin light chain kinase 3; minus strand). Cytogenetic location: 16q11.2.
Variant type: single nucleotide variant.
Coding change: c.722C>T on transcript NM_182493.3 (MANE Select); coding-DNA position 722, C replaced by T.
Protein change: p.Pro241Leu; replaces proline 241 with leucine.
Molecular consequence: missense variant. On other transcripts: intron variant (1).
Genome position (GRCh38, 1-based): chr16:46,737,990, G>A on the plus strand (C>T on the coding strand, the complement: MYLK3 is on the minus strand). VCF-style: chr16-46737990-G-A. GRCh37 (hg19) VCF-style: chr16-46771902-G-A.
Other names: c.-23+2067C>T (NM_001308301.1); short protein forms P241L.
Identifiers: ClinVar variation 2024483 (VCV002024483.4), dbSNP rs2548908037, ClinGen allele CA395794357.

ClinVar aggregate classification (germline): Uncertain significance (1 of 4 stars; one submission).

Submission:

Labcorp Genetics (formerly Invitae), Labcorp
Classification: Uncertain significance. Last evaluated: 2025-03-31. Review status: criteria provided, single submitter. Criteria: Invitae Variant Classification Sherloc (09022015). Collection method: clinical testing. Allele origin: germline.
Comment: This sequence change replaces proline, which is neutral and non-polar, with leucine, which is neutral and non-polar, at codon 241 of the MYLK3 protein (p.Pro241Leu). This variant is not present in population databases (gnomAD no frequency). This variant has not been reported in the literature in individuals affected with MYLK3-related conditions. ClinVar contains an entry for this variant (Variation ID: 2024483). An algorithm developed to predict the effect of missense changes on protein structure and function outputs the following: PolyPhen-2: "Benign". The leucine amino acid residue is found in multiple mammalian species, which suggests that this missense change does not adversely affect protein function. In summary, the available evidence is currently insufficient to determine the role of this variant in disease. Therefore, it has been classified as a Variant of Uncertain Significance.